The following is an entry in ClinVar:

ClinVar aggregate classification (germline): Likely pathogenic (1 of 4 stars; one submission).

Conditions:
Autoinflammatory disease, familial, Behcet-like-3. Also called: Mucocutaneous ulceration, chronic. Identifiers: Orphanet 596759, MedGen C4748997, MONDO:0032659, OMIM 618287.

Submission:

Laboratorio de Genetica e Diagnostico Molecular, Hospital Israelita Albert Einstein
Classification: Likely pathogenic for Autoinflammatory disease, familial, Behcet-like-3. Last evaluated: 2024-01-19. Review status: criteria provided, single submitter. Criteria: ACMG Guidelines, 2015. Collection method: clinical testing. Allele origin: germline. Affected: yes.
Comment: ACMG classification criteria: PVS1 very strong, PM2 supporting

NM_021975.4(RELA):c.618C>A (p.Cys206Ter)

Gene: RELA (RELA proto-oncogene, NF-kB subunit; minus strand). Cytogenetic location: 11q13.1.
Variant type: single nucleotide variant.
Coding change: c.618C>A on transcript NM_021975.4 (MANE Select); coding-DNA position 618, C replaced by A.
Protein change: p.Cys206Ter; replaces cysteine 206 with a stop codon.
Molecular consequence: nonsense. On other transcripts: intron variant (1).
Genome position (GRCh38, 1-based): chr11:65,658,764, G>T on the plus strand (C>A on the coding strand, the complement: RELA is on the minus strand). VCF-style: chr11-65658764-G-T. GRCh37 (hg19) VCF-style: chr11-65426235-G-T.
Other names: c.609C>A, p.Cys203Ter (NM_001145138.2); c.618C>A, p.Cys206Ter (NM_001243984.2, NM_001243985.2, NM_001404659.1); c.651C>A, p.Cys217Ter (NM_001404657.1); c.591C>A, p.Cys197Ter (NM_001404658.1); c.237C>A, p.Cys79Ter (NM_001404661.1); c.525C>A, p.Cys175Ter (NM_001404662.1, NM_001404663.1); c.559+902C>A (NM_001404660.1); short protein forms C175*, C197*, C203*, C206*, C217*, C79*.
Identifiers: ClinVar variation 4076369 (VCV004076369.1).